The following is an entry in ClinVar:

NM_017654.4(SAMD9):c.625G>A (p.Glu209Lys)

Gene: SAMD9 (sterile alpha motif domain containing 9; minus strand). Cytogenetic location: 7q21.2.
Variant type: single nucleotide variant.
Coding change: c.625G>A on transcript NM_017654.4 (MANE Select); coding-DNA position 625, G replaced by A.
Protein change: p.Glu209Lys; replaces glutamic acid 209 with lysine.
Molecular consequence: missense variant.
Genome position (GRCh38, 1-based): chr7:93,105,473, C>T on the plus strand (G>A on the coding strand, the complement: SAMD9 is on the minus strand). VCF-style: chr7-93105473-C-T. GRCh37 (hg19) VCF-style: chr7-92734786-C-T.
Other names: c.625G>A, p.Glu209Lys (NM_001193307.2); short protein forms E209K.
Identifiers: ClinVar variation 4159220 (VCV004159220.1).

ClinVar aggregate classification (germline): Uncertain significance (1 of 4 stars; one submission).

Conditions:
Inborn genetic diseases. Identifiers: MedGen C0950123, MeSH D030342.

Submission:

Ambry Genetics
Classification: Uncertain significance for Inborn genetic diseases. Last evaluated: 2025-09-11. Review status: criteria provided, single submitter. Criteria: Ambry Variant Classification Scheme 2023. Collection method: clinical testing. Allele origin: germline.
Comment: The p.E209K variant (also known as c.625G>A), located in coding exon 1 of the SAMD9 gene, results from a G to A substitution at nucleotide position 625. The glutamic acid at codon 209 is replaced by lysine, an amino acid with similar properties. This amino acid position is conserved. In addition, this alteration is predicted to be tolerated by in silico analysis. Based on the available evidence, the clinical significance of this variant remains unclear.